The following is an entry in ClinVar:

ClinVar aggregate classification (germline): Uncertain significance (1 of 4 stars; one submission).

Allele frequency attached by ClinVar (database versions not stated): gnomAD exomes 0.00001 and below 0.00001.
gnomAD v4.1: 5 of 1,551,424 alleles (0.00032%); highest among the groups gnomAD compares: Non-Finnish European, 0.00044%; no homozygotes.

Submission:

Labcorp Genetics (formerly Invitae), Labcorp
Classification: Uncertain significance. Last evaluated: 2022-03-10. Review status: criteria provided, single submitter. Criteria: Invitae Variant Classification Sherloc (09022015). Collection method: clinical testing. Allele origin: germline.
Comment: In summary, the available evidence is currently insufficient to determine the role of this variant in disease. Therefore, it has been classified as a Variant of Uncertain Significance. Algorithms developed to predict the effect of missense changes on protein structure and function output the following: SIFT: "Tolerated"; PolyPhen-2: "Possibly Damaging"; Align-GVGD: "Class C0". The threonine amino acid residue is found in multiple mammalian species, which suggests that this missense change does not adversely affect protein function. This variant has not been reported in the literature in individuals affected with EYS-related conditions. The frequency data for this variant in the population databases is considered unreliable, as metrics indicate poor data quality at this position in the gnomAD database. This sequence change replaces alanine, which is neutral and non-polar, with threonine, which is neutral and polar, at codon 2793 of the EYS protein (p.Ala2793Thr).

NM_001142800.2(EYS):c.8377G>A (p.Ala2793Thr)

Genes: EYS (EGF-like photoreceptor maintenance factor; minus strand), PHF3 (PHD finger protein 3; plus strand). Cytogenetic location: 6q12.
Variant type: single nucleotide variant.
Coding change: c.8377G>A on transcript NM_001142800.2 (MANE Select); coding-DNA position 8377, G replaced by A.
Protein change: p.Ala2793Thr; replaces alanine 2793 with threonine.
Molecular consequence: missense variant. On other transcripts: 3 prime UTR variant (5).
Genome position (GRCh38, 1-based): chr6:63,721,654, C>T on the plus strand (G>A on the coding strand, the complement: EYS is on the minus strand). VCF-style: chr6-63721654-C-T. GRCh37 (hg19) VCF-style: chr6-64431550-C-T.
Other names: c.*7946C>T (NM_001290259.2, NM_001370348.2, NM_001370349.2 and 2 more transcripts); c.8440G>A, p.Ala2814Thr (NM_001292009.2); short protein forms A2814T, A2793T.
Identifiers: ClinVar variation 1359433 (VCV001359433.9), dbSNP rs1319520589, ClinGen allele CA364385072.